The following is an entry in ClinVar:

ClinVar aggregate classification (germline): Uncertain significance. Review status: criteria provided, multiple submitters, no conflicts (2 of 4 stars). 5 submissions from 5 submitters: Uncertain significance (4). 1 of the submissions does not count toward it. Last evaluated 2026-04-13.

Conditions:
COL9A1-related disorder. Also called: COL9A1-related condition; COL9A1-related disorders.
Optic atrophy. Identifiers: MedGen C0029124, MONDO:0003608, HP:0000648.

Allele frequency attached by ClinVar (database versions not stated): gnomAD 0.00001; TOPMed 0.00003.
gnomAD v4.1: 26 of 1,613,984 alleles (0.0016%); highest among the groups gnomAD compares: Non-Finnish European, 0.0021%; no homozygotes.

Submissions (5):

GeneDx
Classification: Uncertain significance. Last evaluated: 2026-04-13. Review status: criteria provided, single submitter. Criteria: GeneDx Variant Classification Process June 2021. Collection method: clinical testing. Allele origin: germline.
Comment: In silico analysis supports that this missense variant has a deleterious effect on protein structure/function; Has not been previously published as pathogenic or benign to our knowledge

PreventionGenetics, part of Exact Sciences
Classification: Uncertain significance for COL9A1-related condition. Last evaluated: 2025-11-11. Review status: criteria provided, single submitter. Criteria: ACMG Guidelines, 2015. Collection method: clinical testing. Allele origin: germline.
Comment: The COL9A1 c.437T>G variant is predicted to result in the amino acid substitution p.Ile146Ser. To our knowledge, this variant has not been reported in the literature. This variant is reported in 0.010% of alleles in individuals of European (Non-Finnish) descent in gnomAD. At this time, the clinical significance of this variant is uncertain due to the absence of conclusive functional and genetic evidence.

Mayo Clinic Laboratories, Mayo Clinic
Classification: Uncertain significance. Last evaluated: 2022-09-08. Review status: criteria provided, single submitter. Criteria: ACMG Guidelines, 2015. Collection method: clinical testing. Allele origin: germline. Observed: 1 variant allele.
Comment: PM2

Labcorp Genetics (formerly Invitae), Labcorp
Classification: Uncertain significance. Last evaluated: 2022-07-19. Review status: criteria provided, single submitter. Criteria: Invitae Variant Classification Sherloc (09022015). Collection method: clinical testing. Allele origin: germline.
Comment: This sequence change replaces isoleucine, which is neutral and non-polar, with serine, which is neutral and polar, at codon 146 of the COL9A1 protein (p.Ile146Ser). The frequency data for this variant in the population databases is considered unreliable, as metrics indicate poor data quality at this position in the gnomAD database. This variant has not been reported in the literature in individuals affected with COL9A1-related conditions. ClinVar contains an entry for this variant (Variation ID: 1462315). Advanced modeling of protein sequence and biophysical properties (such as structural, functional, and spatial information, amino acid conservation, physicochemical variation, residue mobility, and thermodynamic stability) performed at Invitae indicates that this missense variant is not expected to disrupt COL9A1 protein function. In summary, the available evidence is currently insufficient to determine the role of this variant in disease. Therefore, it has been classified as a Variant of Uncertain Significance.

Institute of Human Genetics, Univ. Regensburg, Univ. Regensburg
Classification: Uncertain significance for Optic atrophy. Last evaluated: 2022-01-01. Review status: no assertion criteria provided. Criteria: ACMG Guidelines, 2015. Collection method: clinical testing. Allele origin: germline. Affected: yes. Not counted in ClinVar's aggregate classification.

NM_001851.6(COL9A1):c.437T>G (p.Ile146Ser)

Gene: COL9A1 (collagen type IX alpha 1 chain; minus strand). Cytogenetic location: 6q13.
Variant type: single nucleotide variant.
Coding change: c.437T>G on transcript NM_001851.6 (MANE Select); coding-DNA position 437, T replaced by G.
Protein change: p.Ile146Ser; replaces isoleucine 146 with serine.
Molecular consequence: missense variant.
Genome position (GRCh38, 1-based): chr6:70,294,426, A>C on the plus strand (T>G on the coding strand, the complement: COL9A1 is on the minus strand). VCF-style: chr6-70294426-A-C. GRCh37 (hg19) VCF-style: chr6-71004129-A-C.
Other names: p.Ile146Ser; c.437T>G, p.Ile146Ser (NM_001377291.1); c.437T>G (NM_001851.4); short protein forms I146S.
Identifiers: ClinVar variation 1462315 (VCV001462315.7), dbSNP rs780230984, ClinGen allele CA3882809.
Genomic context (GRCh38, chr6:70,294,426, plus strand): 5'-GTTTGGAGACTTCCATCCAGTCCCTTGTATGAAAATACAACAGATTGTGTTTGGCCATTA[A>C]TCTTTATGCCAACTTGCTCCTTCCCAGAGGAATCCTGAATCTGCCAAATGTTCCAGTTCT-3'
Protein context (NP_001842.3, residues 136-156): SSGKEQVGIK[Ile146Ser]NGQTQSVVFS